The following is an entry in ClinVar:

ClinVar aggregate classification (germline): Pathogenic. Review status: criteria provided, multiple submitters, no conflicts (2 of 4 stars). 4 submissions from 4 submitters: Pathogenic (2). 2 of the submissions do not count toward it. Last evaluated 2025-08-15.

Conditions:
Hereditary hemochromatosis (HFE). Identifiers: MedGen C0392514, MONDO:0006507. Disease mechanism: loss of function.
Hemochromatosis type 3 (HFE3). Also called: TFR2-Related Hemochromatosis; Hereditary hemochromatosis type 3; HEMOCHROMATOSIS DUE TO DEFECT IN TRANSFERRIN RECEPTOR 2. Identifiers: Orphanet 225123, MedGen C1858664, MONDO:0011417, OMIM 604250.

Allele frequency attached by ClinVar (database versions not stated): ExAC 0.00001; gnomAD exomes 0.00001.

Submissions (4):

Labcorp Genetics (formerly Invitae), Labcorp
Classification: Pathogenic for Hereditary hemochromatosis. Last evaluated: 2025-08-15. Review status: criteria provided, single submitter. Criteria: Invitae Variant Classification Sherloc (09022015). Collection method: clinical testing. Allele origin: germline.
Comment: This sequence change replaces methionine, which is neutral and non-polar, with lysine, which is basic and polar, at codon 172 of the TFR2 protein (p.Met172Lys). This variant is present in population databases (rs80338879, gnomAD 0.002%). This missense change has been observed in individuals with clinical features of hereditary hemochromatosis (PMID: 11313241, 16923517; internal data). ClinVar contains an entry for this variant (Variation ID: 5382). Invitae Evidence Modeling of protein sequence and biophysical properties (such as structural, functional, and spatial information, amino acid conservation, physicochemical variation, residue mobility, and thermodynamic stability) indicates that this missense variant is not expected to disrupt TFR2 protein function with a negative predictive value of 95%. Experimental studies have shown that this missense change affects TFR2 function (PMID: 18094142, 20179178, 26151776). For these reasons, this variant has been classified as Pathogenic.

Women's Health and Genetics/Laboratory Corporation of America, LabCorp
Classification: Pathogenic for Hemochromatosis type 3. Last evaluated: 2024-11-01. Review status: criteria provided, single submitter. Criteria: LabCorp Variant Classification Summary - May 2015. Collection method: clinical testing. Allele origin: germline.
Comment: Variant summary: TFR2 c.515T>A (p.Met172Lys) results in a non-conservative amino acid change in the encoded protein sequence. Three of five in-silico tools predict a benign effect of the variant on protein function. The variant allele was found at a frequency of 8.3e-06 in 239618 control chromosomes (gnomAD). c.515T>A has been reported in the literature in individuals affected with Hemochromatosis Type 3 (e.g. Roetto_2001, Majore_2006). These data indicate that the variant is very likely to be associated with disease. At least one publication reports experimental evidence evaluating an impact on protein function, finding that the variant results in retention in the ER (Wallace_2008). The following publications have been ascertained in the context of this evaluation (PMID: 11313241, 16923517, 18094142). ClinVar contains an entry for this variant (Variation ID: 5382). Based on the evidence outlined above, the variant was classified as pathogenic.

OMIM
Classification: Pathogenic for HEMOCHROMATOSIS, TYPE 3. Last evaluated: 2001-05-01. Review status: no assertion criteria provided. Collection method: literature only. Allele origin: germline. Not counted in ClinVar's aggregate classification.

GeneReviews
No classification provided. Condition: Hemochromatosis type 3. Review status: no classification provided. Collection method: literature only. Allele origin: germline. Not counted in ClinVar's aggregate classification.

Literature cited by the submitters: PubMed 11313241 (cited by 4 submitters); PubMed 16923517 (cited by 3 submitters); PubMed 18094142 (cited by Labcorp Genetics (formerly Invitae), Labcorp and Women's Health and Genetics/Laboratory Corporation of America, LabCorp); PubMed 20179178 (cited by Labcorp Genetics (formerly Invitae), Labcorp); PubMed 26151776 (cited by Labcorp Genetics (formerly Invitae), Labcorp); NCBI Bookshelf NBK1349 (cited by GeneReviews).

NM_003227.4(TFR2):c.515T>A (p.Met172Lys)

Gene: TFR2 (transferrin receptor 2; minus strand). Cytogenetic location: 7q22.1.
Variant type: single nucleotide variant.
Coding change: c.515T>A on transcript NM_003227.4 (MANE Select); coding-DNA position 515, T replaced by A.
Protein change: p.Met172Lys; replaces methionine 172 with lysine.
Molecular consequence: missense variant. On other transcripts: initiator codon variant (1).
Genome position (GRCh38, 1-based): chr7:100,633,515, A>T on the plus strand (T>A on the coding strand, the complement: TFR2 is on the minus strand). VCF-style: chr7-100633515-A-T. GRCh37 (hg19) VCF-style: chr7-100231138-A-T.
Other names: c.2T>A, p.Met1Lys (NM_001206855.3); short protein forms M172K, M1K.
Identifiers: ClinVar variation 5382 (VCV000005382.7), dbSNP rs80338879, ClinGen allele CA340410.